The following is an entry in ClinVar:

ClinVar aggregate classification (germline): Pathogenic (1 of 4 stars; one submission).

Conditions:
Cardiovascular phenotype. Identifiers: MedGen CN230736.

Submission:

Ambry Genetics
Classification: Pathogenic for Cardiovascular phenotype. Last evaluated: 2021-09-24. Review status: criteria provided, single submitter. Criteria: Ambry Variant Classification Scheme 2023. Collection method: clinical testing. Allele origin: germline.
Comment: The c.456_458delTCCinsCG variant, located in coding exon 4 of the DSC2 gene, results from the deletion of 3 nucleotides and insertion of two nucleotides causing a translational frameshift with a predicted alternate stop codon (p.P153Dfs*21). This alteration is expected to result in loss of function by premature protein truncation or nonsense-mediated mRNA decay. As such, this alteration is interpreted as a disease-causing mutation.

NM_024422.6(DSC2):c.456_458delinsCG (p.Pro153fs)

Gene: DSC2 (desmocollin 2; minus strand). Cytogenetic location: 18q12.1.
Variant type: Indel.
Coding change: c.456_458delinsCG on transcript NM_024422.6 (MANE Select); coding-DNA positions 456 to 458, TCC replaced by CG.
Protein change: p.Pro153fs; shifts the reading frame from proline 153.
Molecular consequence: frameshift variant.
Genome position (GRCh38, 1-based): chr18:31,091,044-31,091,046, GGA replaced by CG on the plus strand (TCC replaced by CG on the coding strand, the reverse complement: DSC2 is on the minus strand). VCF-style: chr18-31091044-GGA-CG. GRCh37 (hg19) VCF-style: chr18-28671007-GGA-CG.
Other names: c.27_29delTCCinsCG, p.Pro10Aspfs (NM_001406506.1, NM_001406507.1); c.456_458delinsCG, p.Pro153fs (NM_004949.5); short protein forms P153fs.
Identifiers: ClinVar variation 1741492 (VCV001741492.2), dbSNP rs2510954942, ClinGen allele CA2580095619.